The following is an entry in ClinVar:

ClinVar aggregate classification (germline): Uncertain significance (1 of 4 stars; one submission).

Conditions:
SCAPER-related disorder. Also called: SCAPER-related condition.

gnomAD v4.1: 2 of 1,613,798 alleles (0.00012%); highest among the groups gnomAD compares: African/African-American, 0.0013%; no homozygotes.

Submission:

PreventionGenetics, part of Exact Sciences
Classification: Uncertain significance for SCAPER-related condition. Last evaluated: 2025-11-10. Review status: criteria provided, single submitter. Criteria: ACMG Guidelines, 2015. Collection method: clinical testing. Allele origin: germline.
Comment: The SCAPER c.242A>G variant is predicted to result in the amino acid substitution p.Lys81Arg. To our knowledge, this variant has not been reported in the literature or in a large population database (gnomAD), indicating this variant is rare. At this time, the clinical significance of this variant is uncertain due to the absence of conclusive functional and genetic evidence.

NM_020843.4(SCAPER):c.242A>G (p.Lys81Arg)

Gene: SCAPER (S-phase cyclin A associated protein in the ER; minus strand). Cytogenetic location: 15q24.3.
Variant type: single nucleotide variant.
Coding change: c.242A>G on transcript NM_020843.4 (MANE Select); coding-DNA position 242, A replaced by G.
Protein change: p.Lys81Arg; replaces lysine 81 with arginine.
Molecular consequence: missense variant. On other transcripts: 5 prime UTR variant (4), non-coding transcript variant (1).
Genome position (GRCh38, 1-based): chr15:76,841,885, T>C on the plus strand (A>G on the coding strand, the complement: SCAPER is on the minus strand). VCF-style: chr15-76841885-T-C. GRCh37 (hg19) VCF-style: chr15-77134226-T-C.
Other names: c.-656A>G (NM_001145923.2); c.242A>G, p.Lys81Arg (NM_001353009.2); c.-161A>G (NM_001353010.2, NM_001353011.2, NM_001353012.2); short protein forms K81R.
Identifiers: ClinVar variation 4979634 (VCV004979634.1).